The following is an entry in ClinVar:

NM_003126.4(SPTA1):c.1006T>G (p.Ser336Ala)

Gene: SPTA1 (spectrin alpha, erythrocytic 1; minus strand). Cytogenetic location: 1q23.1.
Variant type: single nucleotide variant.
Coding change: c.1006T>G on transcript NM_003126.4 (MANE Select); coding-DNA position 1006, T replaced by G.
Protein change: p.Ser336Ala; replaces serine 336 with alanine.
Molecular consequence: missense variant.
Genome position (GRCh38, 1-based): chr1:158,676,247, A>C on the plus strand (T>G on the coding strand, the complement: SPTA1 is on the minus strand). VCF-style: chr1-158676247-A-C. GRCh37 (hg19) VCF-style: chr1-158646037-A-C.
Other names: short protein forms S336A.
Identifiers: ClinVar variation 5009772 (VCV005009772.1).

ClinVar aggregate classification (germline): Uncertain significance (1 of 4 stars; one submission).

Submission:

GeneDx
Classification: Uncertain significance. Last evaluated: 2026-02-22. Review status: criteria provided, single submitter. Criteria: GeneDx Variant Classification Process June 2021. Collection method: clinical testing. Allele origin: germline.
Comment: Not observed at significant frequency in large population cohorts (gnomAD); In silico analysis suggests that this missense variant does not alter protein structure/function; Has not been previously published as pathogenic or benign to our knowledge